The following is an entry in ClinVar:

ClinVar aggregate classification (germline): Uncertain significance (1 of 4 stars; one submission).

Conditions:
Hereditary cancer-predisposing syndrome. Also called: Tumor predisposition; Hereditary neoplastic syndrome; Neoplastic Syndromes, Hereditary; Hereditary Cancer Syndrome. Identifiers: Orphanet 140162, MedGen C0027672, MeSH D009386, MONDO:0015356.

Submission:

Ambry Genetics
Classification: Uncertain significance for Hereditary cancer-predisposing syndrome. Last evaluated: 2019-03-29. Review status: criteria provided, single submitter. Criteria: Ambry Variant Classification Scheme 2023. Collection method: clinical testing. Allele origin: germline.
Comment: The p.V452L variant (also known as c.1354G>T), located in coding exon 9 of the FLCN gene, results from a G to T substitution at nucleotide position 1354. The valine at codon 452 is replaced by leucine, an amino acid with highly similar properties. This amino acid position is poorly conserved in available vertebrate species. In addition, this alteration is predicted to be tolerated by in silico analysis. Since supporting evidence is limited at this time, the clinical significance of this alteration remains unclear.

NM_144997.7(FLCN):c.1354G>T (p.Val452Leu)

Gene: FLCN (folliculin; minus strand). Cytogenetic location: 17p11.2.
Variant type: single nucleotide variant.
Coding change: c.1354G>T on transcript NM_144997.7 (MANE Select); coding-DNA position 1354, G replaced by T.
Protein change: p.Val452Leu; replaces valine 452 with leucine.
Molecular consequence: missense variant.
Genome position (GRCh38, 1-based): chr17:17,215,263, C>A on the plus strand (G>T on the coding strand, the complement: FLCN is on the minus strand). VCF-style: chr17-17215263-C-A. GRCh37 (hg19) VCF-style: chr17-17118577-C-A.
Other names: c.1408G>T, p.Val470Leu (NM_001353229.2); c.1354G>T, p.Val452Leu (NM_001353230.2, NM_001353231.2); short protein forms V470L, V452L.
Identifiers: ClinVar variation 818992 (VCV000818992.4), dbSNP rs763920904, ClinGen allele CA398531378.